The following is an entry in ClinVar:

ClinVar aggregate classification (germline): Uncertain significance (1 of 4 stars; one submission).

gnomAD v4.1: 1 of 1,614,152 alleles (0.000062%); highest among the groups gnomAD compares: Non-Finnish European, 0.000085%; no homozygotes.

Submission:

Ambry Genetics
Classification: Uncertain significance. Last evaluated: 2024-06-24. Review status: criteria provided, single submitter. Criteria: Ambry Variant Classification Scheme 2023. Collection method: clinical testing. Allele origin: germline.
Comment: The p.A1319G variant (also known as c.3956C>G), located in coding exon 17 of the NPAT gene, results from a C to G substitution at nucleotide position 3956. The alanine at codon 1319 is replaced by glycine, an amino acid with similar properties. This amino acid position is conserved. In addition, this alteration is predicted to be tolerated by in silico analysis. Based on the available evidence, the clinical significance of this variant remains unclear.

NM_002519.3(NPAT):c.3956C>G (p.Ala1319Gly)

Gene: NPAT (nuclear protein, coactivator of histone transcription; minus strand). Cytogenetic location: 11q22.3.
Variant type: single nucleotide variant.
Coding change: c.3956C>G on transcript NM_002519.3 (MANE Select); coding-DNA position 3956, C replaced by G.
Protein change: p.Ala1319Gly; replaces alanine 1319 with glycine.
Molecular consequence: missense variant.
Genome position (GRCh38, 1-based): chr11:108,161,130, G>C on the plus strand (C>G on the coding strand, the complement: NPAT is on the minus strand). VCF-style: chr11-108161130-G-C. GRCh37 (hg19) VCF-style: chr11-108031857-G-C.
Other names: c.3977C>G, p.Ala1326Gly (NM_001321307.1); short protein forms A1326G, A1319G.
Identifiers: ClinVar variation 3300636 (VCV003300636.1).